The following is an entry in ClinVar:

ClinVar aggregate classification (germline): Conflicting classifications of pathogenicity. Review status: criteria provided, conflicting classifications (1 of 4 stars). 3 submissions from 3 submitters: Uncertain significance (1); Likely benign (1). 1 of the submissions does not count toward it. Last evaluated 2026-10-01.

Conditions:
Hereditary cancer-predisposing syndrome. Also called: Neoplastic Syndromes, Hereditary; Tumor predisposition; Hereditary Cancer Syndrome; Hereditary neoplastic syndrome. Identifiers: Orphanet 140162, MedGen C0027672, MeSH D009386, MONDO:0015356.
Fanconi anemia complementation group C (FANCC). Also called: FANCONI PANCYTOPENIA, TYPE 3; FACC; FANCC-Related Fanconi Anemia; Fanconi anemia, group C. Identifiers: Orphanet 84, MedGen C3468041, MONDO:0009213, OMIM 227645.

Submissions (3):

St. Jude Molecular Pathology, St. Jude Children's Research Hospital
Classification: Uncertain significance for Fanconi anemia complementation group C. Last evaluated: 2026-10-01. Review status: criteria provided, single submitter. Criteria: St. Jude Assertion Criteria 2020. Collection method: clinical testing. Allele origin: germline.
Comment: The FANCC c.591C>A p.(Asp197Glu) missense change is absent in gnomAD v2.1.1. The in silico tool REVEL predicts a benign effect on protein function, but to our knowledge this prediction has not been confirmed by functional studies. To our knowledge, this variant has not been reported in the literature in individuals with Fanconi anemia. In summary, the evidence currently available is insufficient to determine the clinical significance of this variant. It has therefore been classified as of uncertain significance.

Ambry Genetics
Classification: Likely benign for Hereditary cancer-predisposing syndrome. Last evaluated: 2025-08-19. Review status: criteria provided, single submitter. Criteria: Ambry Variant Classification Scheme 2023. Collection method: clinical testing. Allele origin: germline.

King Fahd Medical Research Center, King Abdulaziz University
Classification: Uncertain significance for Fanconi anemia complementation group C. Review status: no assertion criteria provided. Collection method: research. Allele origin: germline. Affected: yes. Observed: 5 variant alleles, 5 compound heterozygotes. Clinical features observed: Hemolytic anemia (HP:0001878). Not counted in ClinVar's aggregate classification.

NM_000136.3(FANCC):c.591C>A (p.Asp197Glu)

Genes: AOPEP (aminopeptidase O (putative); plus strand), FANCC (FA complementation group C; minus strand). Cytogenetic location: 9q22.32.
Variant type: single nucleotide variant.
Coding change: c.591C>A on transcript NM_000136.3 (MANE Select); coding-DNA position 591, C replaced by A.
Protein change: p.Asp197Glu; replaces aspartic acid 197 with glutamic acid.
Molecular consequence: missense variant.
Genome position (GRCh38, 1-based): chr9:95,150,018, G>T on the plus strand (C>A on the coding strand, the complement: FANCC is on the minus strand). VCF-style: chr9-95150018-G-T. GRCh37 (hg19) VCF-style: chr9-97912300-G-T.
Other names: p.(Asp197Glu); c.591C>A, p.Asp197Glu (NM_001243743.2, NM_001243744.2); short protein forms D197E.
Identifiers: ClinVar variation 2446385 (VCV002446385.3), dbSNP rs1457631500, ClinGen allele CA374109707.